The following is an entry in ClinVar:

ClinVar aggregate classification (germline): Conflicting classifications of pathogenicity. Review status: criteria provided, conflicting classifications (1 of 4 stars). 3 submissions from 3 submitters: Likely pathogenic (1); Uncertain significance (2). Last evaluated 2025-08-01.

Conditions:
Congenital microvillous atrophy (DIAR2). Also called: CONGENITAL FAMILIAL PROTRACTED DIARRHEA WITH ENTEROCYTE BRUSH-BORDER ABNORMALITIES; DAVIDSON DISEASE; MICROVILLUS ATROPHY, CONGENITAL; Diarrhea 2 with microvillus atrophy, with or without cholestasis; Microvillus inclusion disease. Identifiers: Orphanet 2290, MedGen C0341306, MONDO:0009635, OMIM 251850.
Inborn genetic diseases. Identifiers: MedGen C0950123, MeSH D030342.

Allele frequency attached by ClinVar (database versions not stated): TOPMed below 0.00001; gnomAD exomes 0.00001.
gnomAD v4.1: 10 of 1,614,074 alleles (0.00062%); highest among the groups gnomAD compares: Non-Finnish European, 0.00076%; no homozygotes.

Submissions (3):

Ambry Genetics
Classification: Uncertain significance for Inborn genetic diseases. Last evaluated: 2025-08-01. Review status: criteria provided, single submitter. Criteria: Ambry Variant Classification Scheme 2023. Collection method: clinical testing. Allele origin: germline.

Labcorp Genetics (formerly Invitae), Labcorp
Classification: Uncertain significance. Last evaluated: 2021-10-22. Review status: criteria provided, single submitter. Criteria: Invitae Variant Classification Sherloc (09022015). Collection method: clinical testing. Allele origin: germline.
Comment: This sequence change replaces isoleucine with threonine at codon 206 of the MYO5B protein (p.Ile206Thr). The isoleucine residue is highly conserved and there is a moderate physicochemical difference between isoleucine and threonine. This variant is not present in population databases (ExAC no frequency). This variant has not been reported in the literature in individuals affected with MYO5B-related conditions. ClinVar contains an entry for this variant (Variation ID: 803492). Algorithms developed to predict the effect of missense changes on protein structure and function are either unavailable or do not agree on the potential impact of this missense change (SIFT: "Deleterious"; PolyPhen-2: "Possibly Damaging"; Align-GVGD: "Class C0"). In summary, the available evidence is currently insufficient to determine the role of this variant in disease. Therefore, it has been classified as a Variant of Uncertain Significance.

Mendelics
Classification: Likely pathogenic for Congenital microvillous atrophy. Last evaluated: 2019-05-28. Review status: criteria provided, single submitter. Criteria: Mendelics Assertion Criteria 2017. Collection method: clinical testing. Allele origin: unknown.

NM_001080467.3(MYO5B):c.617T>C (p.Ile206Thr)

Gene: MYO5B (myosin VB; minus strand). Cytogenetic location: 18q21.1.
Variant type: single nucleotide variant.
Coding change: c.617T>C on transcript NM_001080467.3 (MANE Select); coding-DNA position 617, T replaced by C.
Protein change: p.Ile206Thr; replaces isoleucine 206 with threonine.
Molecular consequence: missense variant.
Genome position (GRCh38, 1-based): chr18:49,992,427, A>G on the plus strand (T>C on the coding strand, the complement: MYO5B is on the minus strand). VCF-style: chr18-49992427-A-G. GRCh37 (hg19) VCF-style: chr18-47518797-A-G.
Other names: c.617T>C (NM_001080467.2); short protein forms I206T.
Identifiers: ClinVar variation 803492 (VCV000803492.5), dbSNP rs1166138315, ClinGen allele CA402438876.